The following is an entry in ClinVar:

ClinVar aggregate classification (germline): Pathogenic. Review status: criteria provided, multiple submitters, no conflicts (2 of 4 stars). 10 submissions from 10 submitters: Pathogenic (7). 3 of the submissions do not count toward it. Last evaluated 2025-12-10.

Conditions:
Hereditary breast ovarian cancer syndrome. Also called: Hereditary breast and ovarian cancer syndrome; Hereditary breast and ovarian cancer; Hereditary breast and ovarian cancer syndrome (HBOC); Breast and ovarian cancer; Hereditary breast and/or ovarian cancer syndrome; BRCA1- and BRCA2-Associated Hereditary Breast and Ovarian Cancer. Identifiers: Orphanet 145, MedGen C0677776, MeSH D061325, MONDO:0003582. Disease mechanism: loss of function.
Familial cancer of breast. Also called: BREAST CANCER, FAMILIAL; Hereditary breast cancer; hereditary breast carcinoma. Identifiers: Orphanet 227535, MedGen C0346153, MONDO:0016419, OMIM 114480. Disease mechanism: loss of function.
Hereditary cancer-predisposing syndrome. Also called: Neoplastic Syndromes, Hereditary; Tumor predisposition; Hereditary neoplastic syndrome; Hereditary Cancer Syndrome. Identifiers: Orphanet 140162, MedGen C0027672, MeSH D009386, MONDO:0015356.
Breast-ovarian cancer, familial, susceptibility to, 2 (BROVCA2). Also called: BRCA2 Hereditary Breast and Ovarian Cancer. Identifiers: Orphanet 145, MedGen C2675520, MONDO:0012933, OMIM 612555. Disease mechanism: loss of function.

Allele frequency attached by ClinVar (database versions not stated): gnomAD exomes below 0.00001.
gnomAD v4.1: 1 of 1,613,260 alleles (0.000062%); highest among the groups gnomAD compares: Non-Finnish European, 0.000085%; no homozygotes.

Submissions (10):

Labcorp Genetics (formerly Invitae), Labcorp
Classification: Pathogenic for Hereditary breast ovarian cancer syndrome. Last evaluated: 2025-12-10. Review status: criteria provided, single submitter. Criteria: Invitae Variant Classification Sherloc (09022015). Collection method: clinical testing. Allele origin: germline.
Comment: This sequence change affects a donor splice site in intron 23 of the BRCA2 gene. RNA analysis indicates that disruption of this splice site induces altered splicing and may result in an absent or altered protein product. This variant is not present in population databases (gnomAD no frequency). Disruption of this splice site has been observed in individual(s) with a personal and/or family history of breast and/or ovarian cancer (PMID: 24156927, 29084914, 29446198). This variant is also known as 9345+1G>A and IVS23+1G>A. ClinVar contains an entry for this variant (Variation ID: 52754). Studies have shown that disruption of this splice site alters mRNA splicing and is expected to lead to the loss of protein expression (PMID: 22632462). For these reasons, this variant has been classified as Pathogenic.

Ambry Genetics
Classification: Pathogenic for Hereditary cancer-predisposing syndrome. Last evaluated: 2024-09-17. Review status: criteria provided, single submitter. Criteria: Ambry Variant Classification Scheme 2023. Collection method: clinical testing. Allele origin: germline.
Comment: The c.9117+1G>A intronic pathogenic mutation results from a G to A substitution one nucleotide after coding exon 22 of the BRCA2 gene. This mutation has been shown by RT-PCR to result in aberrant splicing by causing skipping of coding exon 22 (Acedo A et al. Breast Cancer Res. 2012 May 25;14(3):R87; Ambry internal data). Furthermore, this mutation is noted to be a Finnish founder mutation and has been reported in multiple breast and/or ovarian cancer families (Marroni F et al. Eur J Hum Genet. 2004 Nov;12(11):899-906; Tea MK et al. Maturitas. 2014 Jan;77(1):68-72; Apostolou P et al. eLS. John Wiley & Sons, Ltd: Chichester. 2015 Jan; Rebbeck TR et al. Hum Mutat, 2018 05;39:593-620). This variant is considered to be rare based on population cohorts in the Genome Aggregation Database (gnomAD). In silico splice site analysis predicts that this alteration will weaken the native splice donor site. In addition to the clinical data presented in the literature, alterations that disrupt the canonical splice site are expected to cause aberrant splicing, resulting in an abnormal protein or a transcript that is subject to nonsense-mediated mRNA decay. As such, this alteration is classified as a disease-causing mutation.

Baylor Genetics
Classification: Pathogenic for Familial cancer of breast. Last evaluated: 2024-03-13. Review status: criteria provided, single submitter. Criteria: ACMG Guidelines, 2015. Collection method: clinical testing. Allele origin: unknown.

Women's Health and Genetics/Laboratory Corporation of America, LabCorp
Classification: Pathogenic for Hereditary breast ovarian cancer syndrome. Last evaluated: 2023-09-22. Review status: criteria provided, single submitter. Criteria: LabCorp Variant Classification Summary - May 2015. Collection method: clinical testing. Allele origin: germline.
Comment: Variant summary: BRCA2 c.9117+1G>A is located in a canonical splice-site and is predicted to affect mRNA splicing resulting in a significantly altered protein due to either exon skipping, shortening, or inclusion of intronic material. Several computational tools predict a significant impact on normal splicing: Two predict the variant abolishes a 5' splicing donor site. At least one publication reports experimental evidence that this variant affects mRNA splicing, leading to exon 23 skipping, which is predicted to result in a frameshift and premature termination codon (p.Val2985GlyfsX3; e.g., Acedo_2012). The variant was absent in 248378 control chromosomes (gnomAD). c.9117+1G>A has been reported in the literature in multiple individuals affected with Hereditary Breast And Ovarian Cancer Syndrome (e.g., Rebbeck_2018). These data indicate that the variant is very likely to be associated with disease. The following publications have been ascertained in the context of this evaluation (PMID: 22632462, 29446198). Six submitters have reported clinical-significance assessments for this variant to ClinVar after 2014. All submitters classified the variant as pathogenic. Based on the evidence outlined above, the variant was classified as pathogenic.

Color Diagnostics, LLC DBA Color Health
Classification: Pathogenic for Hereditary cancer-predisposing syndrome. Last evaluated: 2022-10-11. Review status: criteria provided, single submitter. Criteria: ACMG Guidelines, 2015. Collection method: clinical testing. Allele origin: germline.
Comment: This variant causes a G to A nucleotide substitution at the +1 position of intron 23 of the BRCA2 gene. RNA studies using a minigene system have shown that this variant causes out-of-frame skipping of exon 23, predicted to result in a premature translation stop signal (PMID: 22632462). This variant has been reported in several individuals with a personal or family history of breast and/or ovarian cancer (PMID: 15340362, 24156927, 25863477, 29084914, 29446198). This variant has not been identified in the general population by the Genome Aggregation Database (gnomAD). Different variants affecting the same splice donor site, c.9117+2T>A and c.9117G>A, are known to be disease-causing (ClinVar variation ID: 52756, 38215). Loss of BRCA2 function is a known mechanism of disease. Based on the available evidence, this variant is classified as Pathogenic.

Quest Diagnostics Nichols Institute San Juan Capistrano
Classification: Pathogenic. Last evaluated: 2019-08-21. Review status: criteria provided, single submitter. Criteria: Quest Diagnostics criteria. Collection method: clinical testing. Allele origin: unknown.
Comment: This variant is located in a canonical splice-donor site and interferes with normal BRCA2 mRNA splicing. The variant has been reported in individuals affected with breast and/or ovarian cancer in the published literature (PMID: 29084914 (2018), 24156927 (2014)). Splicing analysis by lymphocyte RT-PCR and splicing reporter minigenes, shows that the variant results in the skipping of exon 23 (PMID: 22632462 (2012)). Based on the available information, this variant is classified as pathogenic.

Consortium of Investigators of Modifiers of BRCA1/2 (CIMBA), c/o University of Cambridge
Classification: Pathogenic for Breast-ovarian cancer, familial, susceptibility to, 2. Last evaluated: 2015-10-02. Review status: criteria provided, single submitter. Criteria: CIMBA Mutation Classification guidelines May 2016. Collection method: clinical testing. Allele origin: germline.

Institute of Human Genetics, Medical University Innsbruck
Classification: Pathogenic for Breast-ovarian cancer, familial 2. Last evaluated: 2015-02-11. Review status: no assertion criteria provided. Criteria: clinical testing. Collection method: clinical testing. Allele origin: germline. Affected: yes. Study: BRCA-Tyrol. Not counted in ClinVar's aggregate classification.
Comment: BRCA-mutation spectrum Western Austria

Sharing Clinical Reports Project (SCRP)
Classification: Pathogenic for Breast-ovarian cancer, familial 2. Last evaluated: 2011-07-26. Review status: no assertion criteria provided. Collection method: clinical testing. Allele origin: germline. Not counted in ClinVar's aggregate classification.

Breast Cancer Information Core (BIC) (BRCA2)
Classification: Pathogenic for Breast-ovarian cancer, familial 2. Last evaluated: 2001-01-17. Review status: no assertion criteria provided. Collection method: clinical testing. Allele origin: germline. Affected: yes. Observed: 1 variant allele. Not counted in ClinVar's aggregate classification.

Literature cited by the submitters: PubMed 24156927 (cited by 3 submitters); PubMed 29084914 (cited by 3 submitters); PubMed 29446198 (cited by 5 submitters); PubMed 22632462 (cited by 4 submitters); PubMed 15340362 (cited by Color Diagnostics, LLC DBA Color Health and Quest Diagnostics Nichols Institute San Juan Capistrano); PubMed 25863477 (cited by Color Diagnostics, LLC DBA Color Health); PubMed 21702907 (cited by Quest Diagnostics Nichols Institute San Juan Capistrano).

NM_000059.4(BRCA2):c.9117+1G>A

Gene: BRCA2 (BRCA2 DNA repair associated; plus strand). Cytogenetic location: 13q13.1.
Variant type: single nucleotide variant.
Coding change: c.9117+1G>A on transcript NM_000059.4 (MANE Select); the canonical splice donor site of the intron after coding-DNA position 9117, G replaced by A.
Molecular consequence: splice donor variant.
Genome position (GRCh38, 1-based): chr13:32,379,914, G>A. VCF-style: chr13-32379914-G-A. GRCh37 (hg19) VCF-style: chr13-32954051-G-A.
Other names: IVS23+1G>A; c.9066+1G>A (NM_001406720.1); c.9021+1G>A (NM_001406719.1); c.4185+1G>A (NM_001406721.1); c.2700+1G>A (NM_001406722.1).
Identifiers: ClinVar variation 52754 (VCV000052754.23), dbSNP rs81002802, ClinGen allele CA025989.
Genomic context (GRCh38, chr13:32,379,914, plus strand): 5'-TCTGAAAGAGCTAACATACAGTTAGCAGCGACAAAAAAAACTCAGTATCAACAACTACCG[G>A]TACAAACCTTTCATTGTAATTTTTCAGTTTTGATAAGTGCTTGTTAGTTTATGGAATCTC-3'